The following is an entry in ClinVar:

ClinVar aggregate classification (germline): Uncertain significance (1 of 4 stars; one submission).

Conditions:
Niemann-Pick disease, type C1. Also called: NEUROVISCERAL STORAGE DISEASE WITH VERTICAL SUPRANUCLEAR OPHTHALMOPLEGIA; NIEMANN-PICK DISEASE WITH CHOLESTEROL ESTERIFICATION BLOCK; NIEMANN-PICK DISEASE WITHOUT SPHINGOMYELINASE DEFICIENCY; NIEMANN-PICK DISEASE, CHRONIC NEURONOPATHIC FORM; NIEMANN-PICK DISEASE, VARIANT TYPE C1. Identifiers: Orphanet 646, MedGen C3179455, MONDO:0009757, OMIM 257220.

Allele frequency attached by ClinVar (database versions not stated): gnomAD exomes below 0.00001.
gnomAD v4.1: 1 of 1,614,214 alleles (0.000062%); highest among the groups gnomAD compares: Admixed American, 0.0017%; no homozygotes.

Submission:

Labcorp Genetics (formerly Invitae), Labcorp
Classification: Uncertain significance for Niemann-Pick disease, type C1. Last evaluated: 2022-08-22. Review status: criteria provided, single submitter. Criteria: Invitae Variant Classification Sherloc (09022015). Collection method: clinical testing. Allele origin: germline.
Comment: This sequence change replaces serine, which is neutral and polar, with threonine, which is neutral and polar, at codon 761 of the NPC1 protein (p.Ser761Thr). This variant is present in population databases (no rsID available, gnomAD 0.003%). This variant has not been reported in the literature in individuals affected with NPC1-related conditions. Advanced modeling of protein sequence and biophysical properties (such as structural, functional, and spatial information, amino acid conservation, physicochemical variation, residue mobility, and thermodynamic stability) performed at Invitae indicates that this missense variant is expected to disrupt NPC1 protein function. In summary, the available evidence is currently insufficient to determine the role of this variant in disease. Therefore, it has been classified as a Variant of Uncertain Significance.

NM_000271.5(NPC1):c.2281T>A (p.Ser761Thr)

Gene: NPC1 (NPC intracellular cholesterol transporter 1; minus strand). Cytogenetic location: 18q11.2.
Variant type: single nucleotide variant.
Coding change: c.2281T>A on transcript NM_000271.5 (MANE Select); coding-DNA position 2281, T replaced by A.
Protein change: p.Ser761Thr; replaces serine 761 with threonine.
Molecular consequence: missense variant.
Genome position (GRCh38, 1-based): chr18:23,541,398, A>T on the plus strand (T>A on the coding strand, the complement: NPC1 is on the minus strand). VCF-style: chr18-23541398-A-T. GRCh37 (hg19) VCF-style: chr18-21121362-A-T.
Other names: short protein forms S761T.
Identifiers: ClinVar variation 2175305 (VCV002175305.1), dbSNP rs1199598211, ClinGen allele CA401793776.